The following is an entry in ClinVar:

ClinVar aggregate classification (germline): Conflicting classifications of pathogenicity. Review status: criteria provided, conflicting classifications (1 of 4 stars). 4 submissions from 4 submitters: Uncertain significance (3); Likely benign (1). Last evaluated 2024-06-06.

Conditions:
Microcornea-myopic chorioretinal atrophy. Also called: Microcornea, myopic chorioretinal atrophy, and telecanthus. Identifiers: Orphanet 369970, MedGen C3809567, MONDO:0014195, OMIM 615458.
Inborn genetic diseases. Identifiers: MedGen C0950123, MeSH D030342.

Allele frequency attached by ClinVar (database versions not stated): gnomAD 0.00006 and 0.00007; gnomAD exomes 0.00006 and 0.00014; TOPMed 0.00009; ExAC 0.00014; 1000 Genomes Project 30x 0.00016; 1000 Genomes Project 0.00020.
gnomAD v4.1: 104 of 1,614,184 alleles (0.0064%); highest among the groups gnomAD compares: East Asian, 0.1%; no homozygotes.

Submissions (4):

Blueprint Genetics
Classification: Likely benign. Last evaluated: 2024-06-06. Review status: criteria provided, single submitter. Criteria: ACMG Guidelines, 2015. Collection method: clinical testing. Allele origin: germline.

Labcorp Genetics (formerly Invitae), Labcorp
Classification: Uncertain significance. Last evaluated: 2023-10-03. Review status: criteria provided, single submitter. Criteria: Invitae Variant Classification Sherloc (09022015). Collection method: clinical testing. Allele origin: germline.
Comment: This sequence change replaces threonine, which is neutral and polar, with methionine, which is neutral and non-polar, at codon 840 of the ADAMTS18 protein (p.Thr840Met). This variant is present in population databases (rs150566302, gnomAD 0.1%). This variant has not been reported in the literature in individuals affected with ADAMTS18-related conditions. ClinVar contains an entry for this variant (Variation ID: 1017236). An algorithm developed to predict the effect of missense changes on protein structure and function (PolyPhen-2) suggests that this variant is likely to be disruptive. In summary, the available evidence is currently insufficient to determine the role of this variant in disease. Therefore, it has been classified as a Variant of Uncertain Significance.

Ambry Genetics
Classification: Uncertain significance for Inborn genetic diseases. Last evaluated: 2021-08-30. Review status: criteria provided, single submitter. Criteria: Ambry Variant Classification Scheme 2023. Collection method: clinical testing. Allele origin: germline.

Department of Pathology and Laboratory Medicine, Sinai Health System
Classification: Uncertain significance for Microcornea-myopic chorioretinal atrophy. Last evaluated: 2021-07-30. Review status: criteria provided, single submitter. Criteria: ACMG Guidelines, 2015. Collection method: research. Allele origin: germline.

NM_199355.4(ADAMTS18):c.2519C>T (p.Thr840Met)

Gene: ADAMTS18 (ADAM metallopeptidase with thrombospondin type 1 motif 18; minus strand). Cytogenetic location: 16q23.1.
Variant type: single nucleotide variant.
Coding change: c.2519C>T on transcript NM_199355.4 (MANE Select); coding-DNA position 2519, C replaced by T.
Protein change: p.Thr840Met; replaces threonine 840 with methionine.
Molecular consequence: missense variant.
Genome position (GRCh38, 1-based): chr16:77,319,862, G>A on the plus strand (C>T on the coding strand, the complement: ADAMTS18 is on the minus strand). VCF-style: chr16-77319862-G-A. GRCh37 (hg19) VCF-style: chr16-77353759-G-A.
Other names: c.2519C>T (NM_199355.2); c.2003C>T, p.Thr668Met (NM_001326358.2); short protein forms T668M, T840M.
Identifiers: ClinVar variation 1017236 (VCV001017236.8), dbSNP rs150566302, ClinGen allele CA8180880.